The following is an entry in ClinVar:

ClinVar aggregate classification (germline): Uncertain significance (1 of 4 stars; one submission).

Conditions:
Developmental and epileptic encephalopathy, 23 (DEE23). Also called: Epileptic encephalopathy, early infantile, 23. Identifiers: Orphanet 411986, MedGen C4014492, MONDO:0014371, OMIM 615859.

Allele frequency attached by ClinVar (database versions not stated): gnomAD 0.00001; gnomAD exomes 0.00001 and 0.00002; TOPMed 0.00001; ExAC 0.00002.
gnomAD v4.1: 30 of 1,613,844 alleles (0.0019%); highest among the groups gnomAD compares: Non-Finnish European, 0.0025%; no homozygotes.

Submission:

Labcorp Genetics (formerly Invitae), Labcorp
Classification: Uncertain significance for Developmental and epileptic encephalopathy, 23. Last evaluated: 2021-06-02. Review status: criteria provided, single submitter. Criteria: Invitae Variant Classification Sherloc (09022015). Collection method: clinical testing. Allele origin: germline.
Comment: In summary, the available evidence is currently insufficient to determine the role of this variant in disease. Therefore, it has been classified as a Variant of Uncertain Significance. Algorithms developed to predict the effect of missense changes on protein structure and function (SIFT, PolyPhen-2, Align-GVGD) all suggest that this variant is likely to be disruptive, but these predictions have not been confirmed by published functional studies and their clinical significance is uncertain. This variant has not been reported in the literature in individuals with DOCK7-related conditions. This variant is present in population databases (rs374226829, ExAC 0.01%). This sequence change replaces alanine with threonine at codon 1563 of the DOCK7 protein (p.Ala1563Thr). The alanine residue is highly conserved and there is a small physicochemical difference between alanine and threonine.

NM_001367561.1(DOCK7):c.4714G>A (p.Ala1572Thr)

Gene: DOCK7 (dedicator of cytokinesis 7; minus strand). Cytogenetic location: 1p31.3.
Variant type: single nucleotide variant.
Coding change: c.4714G>A on transcript NM_001367561.1 (MANE Select); coding-DNA position 4714, G replaced by A.
Protein change: p.Ala1572Thr; replaces alanine 1572 with threonine.
Molecular consequence: missense variant.
Genome position (GRCh38, 1-based): chr1:62,504,680, C>T on the plus strand (G>A on the coding strand, the complement: DOCK7 is on the minus strand). VCF-style: chr1-62504680-C-T. GRCh37 (hg19) VCF-style: chr1-62970351-C-T.
Other names: c.4687G>A, p.Ala1563Thr (NM_001271999.2, NM_001330614.2); c.4594G>A, p.Ala1532Thr (NM_001272000.2, NM_001272001.2); c.4621G>A, p.Ala1541Thr (NM_033407.4); short protein forms A1541T, A1563T, A1532T, A1572T.
Identifiers: ClinVar variation 1444764 (VCV001444764.8), dbSNP rs374226829, ClinGen allele CA885627.